The following is an entry in ClinVar:

NM_203446.3(SYNJ1):c.3797C>G (p.Pro1266Arg)

Gene: SYNJ1 (synaptojanin 1; minus strand). Cytogenetic location: 21q22.11.
Variant type: single nucleotide variant.
Coding change: c.3797C>G on transcript NM_203446.3 (MANE Select); coding-DNA position 3797, C replaced by G.
Protein change: p.Pro1266Arg; replaces proline 1266 with arginine.
Molecular consequence: missense variant.
Genome position (GRCh38, 1-based): chr21:32,639,026, G>C on the plus strand (C>G on the coding strand, the complement: SYNJ1 is on the minus strand). VCF-style: chr21-32639026-G-C. GRCh37 (hg19) VCF-style: chr21-34011336-G-C.
Other names: c.3749C>G, p.Pro1250Arg (NM_001160302.2); c.3656C>G, p.Pro1219Arg (NM_001160306.2); c.3914C>G, p.Pro1305Arg (NM_003895.4); short protein forms P1305R, P1219R, P1250R, P1266R.
Identifiers: ClinVar variation 577253 (VCV000577253.6), dbSNP rs767170641, ClinGen allele CA10003245.
Genomic context (GRCh38, chr21:32,639,026, plus strand): 5'-GGTTGTGGTGGGGTTTCCAAATTTGGCTGGGGGCCAGACTGAGGCATAGGTGCTGCCACA[G>C]GGACAAGAGGCTCTTGCAACCTTTGAGCAGGCGGGGGCAAAGAAGACTGCGGAGGAAAAG-3'
Protein context (NP_982271.3, residues 1256-1276): PAQRLQEPLV[Pro1266Arg]VAAPMPQSGP

ClinVar aggregate classification (germline): Uncertain significance (1 of 4 stars; one submission).

Conditions:
Developmental and epileptic encephalopathy, 53. Also called: Epileptic encephalopathy, early infantile, 53. Identifiers: MedGen C4479313, MONDO:0033362, OMIM 617389.
Early-onset Parkinson disease 20. Also called: PARKINSON DISEASE 20, AUTOSOMAL RECESSIVE EARLY-ONSET. Identifiers: Orphanet 391411, MedGen C3809824, MONDO:0014233, OMIM 615530.

Allele frequency attached by ClinVar (database versions not stated): ExAC 0.00001; gnomAD 0.00001; gnomAD exomes 0.00001; TOPMed 0.00002.
gnomAD v4.1: 22 of 1,614,018 alleles (0.0014%); highest among the groups gnomAD compares: Non-Finnish European, 0.0019%; no homozygotes.

Submission:

Labcorp Genetics (formerly Invitae), Labcorp
Classification: Uncertain significance for Developmental and epileptic encephalopathy, 53; Early-onset Parkinson disease 20. Last evaluated: 2022-06-10. Review status: criteria provided, single submitter. Criteria: Invitae Variant Classification Sherloc (09022015). Collection method: clinical testing. Allele origin: germline.
Comment: This sequence change replaces proline, which is neutral and non-polar, with arginine, which is basic and polar, at codon 1305 of the SYNJ1 protein (p.Pro1305Arg). This variant is present in population databases (rs767170641, gnomAD 0.0009%). This variant has not been reported in the literature in individuals affected with SYNJ1-related conditions. ClinVar contains an entry for this variant (Variation ID: 577253). Algorithms developed to predict the effect of missense changes on protein structure and function are either unavailable or do not agree on the potential impact of this missense change (SIFT: "Deleterious"; PolyPhen-2: "Probably Damaging"; Align-GVGD: "Class C0"). In summary, the available evidence is currently insufficient to determine the role of this variant in disease. Therefore, it has been classified as a Variant of Uncertain Significance.